The following is an entry in ClinVar:

NM_002470.4(MYH3):c.4324G>T (p.Ala1442Ser)

Gene: MYH3 (myosin heavy chain 3; minus strand). Cytogenetic location: 17p13.1.
Variant type: single nucleotide variant.
Coding change: c.4324G>T on transcript NM_002470.4 (MANE Select); coding-DNA position 4324, G replaced by T.
Protein change: p.Ala1442Ser; replaces alanine 1442 with serine.
Molecular consequence: missense variant.
Genome position (GRCh38, 1-based): chr17:10,634,872, C>A on the plus strand (G>T on the coding strand, the complement: MYH3 is on the minus strand). VCF-style: chr17-10634872-C-A. GRCh37 (hg19) VCF-style: chr17-10538189-C-A.
Other names: short protein forms A1442S.
Identifiers: ClinVar variation 2139461 (VCV002139461.4), dbSNP rs201602783, ClinGen allele CA8392269.
Genomic context (GRCh38, chr17:10,634,872, plus strand): 5'-TTCACCCAGCACACAGCGGACCCCACACCTTGTCAAAGTTCCTCTGCTTCTTGTCCAGAG[C>A]GGCGGCCAAGGAATTGGCTCTTTCAACATCAACCATCAGATCCTCCACCTCTCCTTGCAG-3'
Protein context (NP_002461.2, residues 1432-1452): DVERANSLAA[Ala1442Ser]LDKKQRNFDK

ClinVar aggregate classification (germline): Uncertain significance (1 of 4 stars; one submission).

Submission:

Labcorp Genetics (formerly Invitae), Labcorp
Classification: Uncertain significance. Last evaluated: 2025-06-27. Review status: criteria provided, single submitter. Criteria: Invitae Variant Classification Sherloc (09022015). Collection method: clinical testing. Allele origin: germline.
Comment: This sequence change replaces alanine, which is neutral and non-polar, with serine, which is neutral and polar, at codon 1442 of the MYH3 protein (p.Ala1442Ser). This variant is present in population databases (rs201602783, gnomAD 0.006%). This variant has not been reported in the literature in individuals affected with MYH3-related conditions. ClinVar contains an entry for this variant (Variation ID: 2139461). Invitae Evidence Modeling of protein sequence and biophysical properties (such as structural, functional, and spatial information, amino acid conservation, physicochemical variation, residue mobility, and thermodynamic stability) indicates that this missense variant is not expected to disrupt MYH3 protein function with a negative predictive value of 95%. In summary, the available evidence is currently insufficient to determine the role of this variant in disease. Therefore, it has been classified as a Variant of Uncertain Significance.